The following is an entry in ClinVar:

NM_017514.5(PLXNA3):c.4893G>A (p.Leu1631=)

Gene: PLXNA3 (plexin A3; plus strand). Cytogenetic location: Xq28.
Variant type: single nucleotide variant.
Coding change: c.4893G>A on transcript NM_017514.5 (MANE Select); coding-DNA position 4893, G replaced by A.
Protein change: p.Leu1631=; no amino-acid change (leucine 1631 retained).
Molecular consequence: synonymous variant.
Genome position (GRCh38, 1-based): chrX:154,470,074, G>A. VCF-style: chrX-154470074-G-A. GRCh37 (hg19) VCF-style: chrX-153698417-G-A.
Identifiers: ClinVar variation 3054676 (VCV003054676.2), dbSNP rs782107582, ClinGen allele CA10564996.

ClinVar aggregate classification (germline): Likely benign (0 of 4 stars; one submission).

Conditions:
PLXNA3-related disorder. Also called: PLXNA3-related condition.

Allele frequency attached by ClinVar (database versions not stated): gnomAD exomes 0.00001; ExAC 0.00003; gnomAD 0.00014; TOPMed 0.00026; 1000 Genomes Project 0.00053; 1000 Genomes Project 30x 0.00062.

Submission:

PreventionGenetics, part of Exact Sciences
Classification: Likely benign for PLXNA3-related condition. Last evaluated: 2021-12-31. Review status: no assertion criteria provided. Collection method: clinical testing. Allele origin: germline.
Comment: This variant is classified as likely benign based on ACMG/AMP sequence variant interpretation guidelines (Richards et al. 2015 PMID: 25741868, with internal and published modifications).